The following is an entry in ClinVar:

NM_001605.3(AARS1):c.658A>C (p.Ile220Leu)

Gene: AARS1 (alanyl-tRNA synthetase 1; minus strand). Cytogenetic location: 16q22.1.
Variant type: single nucleotide variant.
Coding change: c.658A>C on transcript NM_001605.3 (MANE Select); coding-DNA position 658, A replaced by C.
Protein change: p.Ile220Leu; replaces isoleucine 220 with leucine.
Molecular consequence: missense variant.
Genome position (GRCh38, 1-based): chr16:70,271,794, T>G on the plus strand (A>C on the coding strand, the complement: AARS1 is on the minus strand). VCF-style: chr16-70271794-T-G. GRCh37 (hg19) VCF-style: chr16-70305697-T-G.
Other names: short protein forms I220L.
Identifiers: ClinVar variation 2162614 (VCV002162614.4), dbSNP rs2507020540, ClinGen allele CA396566432.

ClinVar aggregate classification (germline): Uncertain significance (1 of 4 stars; one submission).

Conditions:
Charcot-Marie-Tooth disease type 2. Also called: Charcot-Marie-Tooth type 2. Identifiers: Orphanet 64746, MedGen C0270914, MONDO:0018993.

Allele frequency attached by ClinVar (database versions not stated): gnomAD exomes below 0.00001.
gnomAD v4.1: 1 of 1,613,852 alleles (0.000062%); highest among the groups gnomAD compares: Middle Eastern, 0.017%; no homozygotes.

Submission:

Labcorp Genetics (formerly Invitae), Labcorp
Classification: Uncertain significance for Charcot-Marie-Tooth disease type 2. Last evaluated: 2022-04-20. Review status: criteria provided, single submitter. Criteria: Invitae Variant Classification Sherloc (09022015). Collection method: clinical testing. Allele origin: germline.
Comment: In summary, the available evidence is currently insufficient to determine the role of this variant in disease. Therefore, it has been classified as a Variant of Uncertain Significance. Algorithms developed to predict the effect of missense changes on protein structure and function are either unavailable or do not agree on the potential impact of this missense change (SIFT: "Deleterious"; PolyPhen-2: "Probably Damaging"; Align-GVGD: "Class C0"). This variant has not been reported in the literature in individuals affected with AARS-related conditions. This variant is not present in population databases (gnomAD no frequency). This sequence change replaces isoleucine, which is neutral and non-polar, with leucine, which is neutral and non-polar, at codon 220 of the AARS protein (p.Ile220Leu).